The following is an entry in ClinVar:

ClinVar aggregate classification (germline): Likely pathogenic (1 of 4 stars; one submission).

gnomAD v4.1: 4 of 1,613,258 alleles (0.00025%); highest among the groups gnomAD compares: Non-Finnish European, 0.00034%; no homozygotes.

Submission:

Labcorp Genetics (formerly Invitae), Labcorp
Classification: Likely pathogenic. Last evaluated: 2025-02-11. Review status: criteria provided, single submitter. Criteria: Invitae Variant Classification Sherloc (09022015). Collection method: clinical testing. Allele origin: germline.
Comment: This sequence change affects an acceptor splice site in intron 9 of the TTC37 gene. It is expected to disrupt RNA splicing. Variants that disrupt the donor or acceptor splice site typically lead to a loss of protein function (PMID: 16199547), and loss-of-function variants in TTC37 are known to be pathogenic (PMID: 20176027, 21120949). This variant is not present in population databases (gnomAD no frequency). Disruption of this splice site has been observed in individual(s) with trichohepatoenteric syndrome (PMID: 29527791). Algorithms developed to predict the effect of sequence changes on RNA splicing suggest that this variant may disrupt the consensus splice site. In summary, the currently available evidence indicates that the variant is pathogenic, but additional data are needed to prove that conclusively. Therefore, this variant has been classified as Likely Pathogenic.

Literature cited by the submitters: PubMed 16199547; PubMed 20176027; PubMed 21120949; PubMed 29527791.

NM_014639.4(SKIC3):c.643-1G>A

Gene: SKIC3 (SKI3 subunit of superkiller complex; minus strand). Cytogenetic location: 5q15.
Variant type: single nucleotide variant.
Coding change: c.643-1G>A on transcript NM_014639.4 (MANE Select); the canonical splice acceptor site of the intron before coding-DNA position 643, G replaced by A.
Molecular consequence: splice acceptor variant.
Genome position (GRCh38, 1-based): chr5:95,536,926, C>T on the plus strand (G>A on the coding strand, the complement: SKIC3 is on the minus strand). VCF-style: chr5-95536926-C-T. GRCh37 (hg19) VCF-style: chr5-94872630-C-T.
Identifiers: ClinVar variation 4769413 (VCV004769413.1).